The following is an entry in ClinVar:

NM_005732.4(RAD50):c.678G>T (p.Gln226His)

Gene: RAD50 (RAD50 double strand break repair protein; plus strand). Cytogenetic location: 5q31.1.
Variant type: single nucleotide variant.
Coding change: c.678G>T on transcript NM_005732.4 (MANE Select); coding-DNA position 678, G replaced by T.
Protein change: p.Gln226His; replaces glutamine 226 with histidine.
Molecular consequence: missense variant.
Genome position (GRCh38, 1-based): chr5:132,579,988, G>T. VCF-style: chr5-132579988-G-T. GRCh37 (hg19) VCF-style: chr5-131915680-G-T.
Other names: short protein forms Q226H.
Identifiers: ClinVar variation 1951492 (VCV001951492.5), dbSNP rs1750476467, ClinGen allele CA360936451.

ClinVar aggregate classification (germline): Uncertain significance (1 of 4 stars; one submission).

Conditions:
Hereditary cancer-predisposing syndrome. Also called: Hereditary neoplastic syndrome; Tumor predisposition; Hereditary Cancer Syndrome; Neoplastic Syndromes, Hereditary. Identifiers: Orphanet 140162, MedGen C0027672, MeSH D009386, MONDO:0015356.

Submission:

Labcorp Genetics (formerly Invitae), Labcorp
Classification: Uncertain significance for Hereditary cancer-predisposing syndrome. Last evaluated: 2022-01-19. Review status: criteria provided, single submitter. Criteria: Invitae Variant Classification Sherloc (09022015). Collection method: clinical testing. Allele origin: germline.
Comment: In summary, the available evidence is currently insufficient to determine the role of this variant in disease. Therefore, it has been classified as a Variant of Uncertain Significance. Algorithms developed to predict the effect of missense changes on protein structure and function are either unavailable or do not agree on the potential impact of this missense change (SIFT: "Deleterious"; PolyPhen-2: "Benign"; Align-GVGD: "Class C0"). This variant has not been reported in the literature in individuals affected with RAD50-related conditions. This variant is not present in population databases (gnomAD no frequency). This sequence change replaces glutamine, which is neutral and polar, with histidine, which is basic and polar, at codon 226 of the RAD50 protein (p.Gln226His).